The following is an entry in ClinVar:

NM_001378328.1(CELSR1):c.1150A>G (p.Ile384Val)

Gene: CELSR1 (cadherin EGF LAG seven-pass G-type receptor 1; minus strand). Cytogenetic location: 22q13.31.
Variant type: single nucleotide variant.
Coding change: c.1150A>G on transcript NM_001378328.1 (MANE Select); coding-DNA position 1150, A replaced by G.
Protein change: p.Ile384Val; replaces isoleucine 384 with valine.
Molecular consequence: missense variant.
Genome position (GRCh38, 1-based): chr22:46,536,021, T>C on the plus strand (A>G on the coding strand, the complement: CELSR1 is on the minus strand). VCF-style: chr22-46536021-T-C. GRCh37 (hg19) VCF-style: chr22-46931918-T-C.
Other names: c.1150A>G, p.Ile384Val (NM_014246.4); short protein forms I384V.
Identifiers: ClinVar variation 2653344 (VCV002653344.24), dbSNP rs1412486258, ClinGen allele CA411950761.

ClinVar aggregate classification (germline): Likely benign (1 of 4 stars; one submission).

Allele frequency attached by ClinVar (database versions not stated): gnomAD 0.00001; gnomAD exomes 0.00001; TOPMed 0.00001.
gnomAD v4.1: 8 of 1,610,544 alleles (0.0005%); highest among the groups gnomAD compares: Non-Finnish European, 0.00068%; no homozygotes.

Submission:

CeGaT Center for Human Genetics Tuebingen
Classification: Likely benign. Last evaluated: 2023-01-01. Review status: criteria provided, single submitter. Criteria: CeGaT Center For Human Genetics Tuebingen Variant Classification Criteria Version 2. Collection method: clinical testing. Allele origin: germline. Affected: yes. Observed: 1 variant allele.
Comment: CELSR1: BP4